The following is an entry in ClinVar:

ClinVar aggregate classification (germline): Uncertain significance (1 of 4 stars; one submission).

Conditions:
Townes syndrome (TBS). Also called: Townes-Brocks syndrome. Identifiers: Orphanet 857, MedGen C0265246, MeSH C536974, MONDO:0007142.

Submission:

Labcorp Genetics (formerly Invitae), Labcorp
Classification: Uncertain significance for Townes syndrome. Last evaluated: 2023-06-22. Review status: criteria provided, single submitter. Criteria: Invitae Variant Classification Sherloc (09022015). Collection method: clinical testing. Allele origin: germline.
Comment: In summary, the available evidence is currently insufficient to determine the role of this variant in disease. Therefore, it has been classified as a Variant of Uncertain Significance. Advanced modeling of protein sequence and biophysical properties (such as structural, functional, and spatial information, amino acid conservation, physicochemical variation, residue mobility, and thermodynamic stability) performed at Invitae indicates that this missense variant is expected to disrupt SALL1 protein function. This variant has not been reported in the literature in individuals affected with SALL1-related conditions. This variant is not present in population databases (gnomAD no frequency). This sequence change replaces asparagine, which is neutral and polar, with lysine, which is basic and polar, at codon 1000 of the SALL1 protein (p.Asn1000Lys).

NM_002968.3(SALL1):c.3000C>G (p.Asn1000Lys)

Gene: SALL1 (spalt like transcription factor 1; minus strand). Cytogenetic location: 16q12.1.
Variant type: single nucleotide variant.
Coding change: c.3000C>G on transcript NM_002968.3 (MANE Select); coding-DNA position 3000, C replaced by G.
Protein change: p.Asn1000Lys; replaces asparagine 1000 with lysine.
Molecular consequence: missense variant.
Genome position (GRCh38, 1-based): chr16:51,139,222, G>C on the plus strand (C>G on the coding strand, the complement: SALL1 is on the minus strand). VCF-style: chr16-51139222-G-C. GRCh37 (hg19) VCF-style: chr16-51173133-G-C.
Other names: c.2709C>G, p.Asn903Lys (NM_001127892.2); short protein forms N903K, N1000K.
Identifiers: ClinVar variation 2876762 (VCV002876762.3), dbSNP rs2143438583, ClinGen allele CA395882658.
Genomic context (GRCh38, chr16:51,139,222, plus strand): 5'-ATAGTGAATGTCCAAGGCACTCTGACAAGCAAATGTTTTGCCACAAATGTCACAAGCAGT[G>C]TTTTTAAATTTACCCCGGTCTCTAAAAGGGAAGAGGATCCCCAAAGAATCTTCTTTGATG-3'
Protein context (NP_002959.2, residues 990-1010): FPFRDRGKFK[Asn1000Lys]TACDICGKTF